The following is an entry in ClinVar:

NM_001347886.2(DNAH3):c.6378A>G (p.Lys2126=)

Gene: DNAH3 (dynein axonemal heavy chain 3; minus strand). Cytogenetic location: 16p12.3.
Variant type: single nucleotide variant.
Coding change: c.6378A>G on transcript NM_001347886.2 (MANE Select); coding-DNA position 6378, A replaced by G.
Protein change: p.Lys2126=; no amino-acid change (lysine 2126 retained).
Molecular consequence: synonymous variant.
Genome position (GRCh38, 1-based): chr16:20,997,368, T>C on the plus strand (A>G on the coding strand, the complement: DNAH3 is on the minus strand). VCF-style: chr16-20997368-T-C. GRCh37 (hg19) VCF-style: chr16-21008690-T-C.
Other names: c.6516A>G, p.Lys2172= (NM_017539.2).
Identifiers: ClinVar variation 402721 (VCV000402721.5), dbSNP rs3115446, ClinGen allele CA7947107.

ClinVar aggregate classification (germline): Benign. Review status: criteria provided, multiple submitters, no conflicts (2 of 4 stars). 2 submissions from 2 submitters: Benign (2). Last evaluated 2016-03-29.

Allele frequency attached by ClinVar (database versions not stated): gnomAD exomes 0.46760 and 0.49106; ESP Exome Variant Server 0.49577; ExAC 0.49585; TOPMed 0.50083; gnomAD 0.50197 and 0.50393; 1000 Genomes Project 0.54014; 1000 Genomes Project 30x 0.54731.
gnomAD v4.1: 760,826 of 1,613,834 alleles (47%); highest among the groups gnomAD compares: South Asian, 60%; 181,144 homozygotes.

Submissions (2):

Laboratory for Molecular Medicine, Mass General Brigham Personalized Medicine
Classification: Benign. Last evaluated: 2016-03-29. Review status: criteria provided, single submitter. Criteria: LMM Criteria. Collection method: clinical testing. Allele origin: germline.
Comment: Variant identified in a genome or exome case(s) and assessed due to predicted null impact of the variant or pathogenic assertions in the literature or databases. Disclaimer: This variant has not undergone full assessment. The following are preliminary notes: Frequency

Breakthrough Genomics
Classification: Benign. Review status: criteria provided, single submitter. Criteria: ACMG Guidelines, 2015. Collection method: not provided. Allele origin: germline. Inheritance: Unknown mechanism. Affected: yes.